The following is an entry in ClinVar:

ClinVar aggregate classification (germline): Pathogenic (1 of 4 stars; one submission).

Conditions:
Inborn genetic diseases. Identifiers: MedGen C0950123, MeSH D030342.

Submission:

Ambry Genetics
Classification: Pathogenic for Inborn genetic diseases. Last evaluated: 2013-07-27. Review status: criteria provided, single submitter. Criteria: Ambry Autosomal Dominant and X-Linked criteria (10/2015). Collection method: clinical testing. Allele origin: germline. Observed: 1 variant allele.
Comment: Ã¢â‚¬â€¹The c.34T>A (p.Y12N) alteration is located in coding exon 1 of the FTSJ1 gene. This alteration results from a T to A substitution at nucleotide position 34. The tyrosine (Y) at codon 12 is replaced by asparagine (N), an amino acid with dissimilar properties. The missense change is not observed in healthy cohorts:Based on data from the NHLBI Exome Sequencing Project (ESP), the FTSJ1: c.34T>A (p.Y12N) alteration was not observed among 6,503 individuals tested (0.0%). Allele frequency data for this nucleotide position is not currently available from the 1000 Genomes Project and the alteration is not currently listed in the Database of Single Nucleotide Polymorphisms (dbSNP).The altered amino acid is conserved throughout evolution:The p.Y12 amino acid is conserved throughout vertebrates. The alteration is predicted deleterious by in silico models:The p.Y12N alteration is predicted to be probably damaging by Polyphen and deleterious by SIFT in silico analyses. Based on the available evidence, the FTSJ1: c.34T>A (p.Y12N) alteration is classified as a pathogenic mutation.

NM_012280.4(FTSJ1):c.34T>A (p.Tyr12Asn)

Gene: FTSJ1 (FtsJ RNA 2'-O-methyltransferase 1; plus strand). Cytogenetic location: Xp11.23.
Variant type: single nucleotide variant.
Coding change: c.34T>A on transcript NM_012280.4 (MANE Select); coding-DNA position 34, T replaced by A.
Protein change: p.Tyr12Asn; replaces tyrosine 12 with asparagine.
Molecular consequence: missense variant. On other transcripts: intron variant (1).
Genome position (GRCh38, 1-based): chrX:48,478,081, T>A. VCF-style: chrX-48478081-T-A. GRCh37 (hg19) VCF-style: chrX-48336469-T-A.
Other names: c.34T>A, p.Tyr12Asn (NM_001441195.1, NM_001441196.1, NM_001441197.1 and 4 more transcripts); c.-76-957T>A (NM_001282157.2); short protein forms Y12N.
Identifiers: ClinVar variation 208659 (VCV000208659.4), dbSNP rs797044864, ClinGen allele CA204625.